The following is an entry in ClinVar:

NM_198253.3(TERT):c.505C>T (p.Gln169Ter)

Gene: TERT (telomerase reverse transcriptase; minus strand). Cytogenetic location: 5p15.33.
Variant type: single nucleotide variant.
Coding change: c.505C>T on transcript NM_198253.3 (MANE Select); coding-DNA position 505, C replaced by T.
Protein change: p.Gln169Ter; replaces glutamine 169 with a stop codon.
Molecular consequence: nonsense. On other transcripts: non-coding transcript variant (2).
Genome position (GRCh38, 1-based): chr5:1,294,381, G>A on the plus strand (C>T on the coding strand, the complement: TERT is on the minus strand). VCF-style: chr5-1294381-G-A. GRCh37 (hg19) VCF-style: chr5-1294496-G-A.
Other names: c.505C>T, p.Gln169Ter (NM_001193376.3, NM_003219.1); short protein forms Q169*.
Identifiers: ClinVar variation 1997398 (VCV001997398.4), dbSNP rs2478426642, ClinGen allele CA359057889.

ClinVar aggregate classification (germline): Pathogenic (1 of 4 stars; one submission).

Conditions:
Idiopathic Pulmonary Fibrosis. Also called: Idiopathic fibrosing alveolitis, chronic form; idiopathic fibrosing alveolitis. Identifiers: Orphanet 2032, MedGen C1800706, MeSH D054990, MONDO:0800504.
Dyskeratosis congenita, autosomal dominant 2. Identifiers: MedGen C3151443, MONDO:0013521, OMIM 613989.

Submission:

Labcorp Genetics (formerly Invitae), Labcorp
Classification: Pathogenic for Dyskeratosis congenita, autosomal dominant 2; Idiopathic Pulmonary Fibrosis. Last evaluated: 2022-08-27. Review status: criteria provided, single submitter. Criteria: Invitae Variant Classification Sherloc (09022015). Collection method: clinical testing. Allele origin: germline.
Comment: For these reasons, this variant has been classified as Pathogenic. This variant has not been reported in the literature in individuals affected with TERT-related conditions. This variant is not present in population databases (gnomAD no frequency). This sequence change creates a premature translational stop signal (p.Gln169*) in the TERT gene. It is expected to result in an absent or disrupted protein product. Loss-of-function variants in TERT are known to be pathogenic (PMID: 16247010, 17460043).

Literature cited by the submitters: PubMed 16247010; PubMed 17460043.